The following is an entry in ClinVar:

NM_001365276.2(TNXB):c.5889C>T (p.Val1963=)

Gene: TNXB (tenascin XB; minus strand). Cytogenetic location: 6p21.33.
Variant type: single nucleotide variant.
Coding change: c.5889C>T on transcript NM_001365276.2 (MANE Select); coding-DNA position 5889, C replaced by T.
Protein change: p.Val1963=; no amino-acid change (valine 1963 retained).
Molecular consequence: synonymous variant.
Genome position (GRCh38, 1-based): chr6:32,068,835, G>A on the plus strand (C>T on the coding strand, the complement: TNXB is on the minus strand). VCF-style: chr6-32068835-G-A. GRCh37 (hg19) VCF-style: chr6-32036612-G-A.
Other names: c.6630C>T, p.Val2210= (NM_001428335.1); c.5889C>T, p.Val1963= (NM_019105.8).
Identifiers: ClinVar variation 3971960 (VCV003971960.3).

ClinVar aggregate classification (germline): Likely benign. Review status: criteria provided, multiple submitters, no conflicts (2 of 4 stars). 3 submissions from 3 submitters: Likely benign (3). Last evaluated 2026-06-09.

Conditions:
Cardiovascular phenotype. Identifiers: MedGen CN230736.

gnomAD v4.1: 18 of 1,606,546 alleles (0.0011%); highest among the groups gnomAD compares: South Asian, 0.012%; no homozygotes.

Submissions (3):

Women's Health and Genetics/Laboratory Corporation of America, LabCorp
Classification: Likely benign. Last evaluated: 2026-06-09. Review status: criteria provided, single submitter. Criteria: LabCorp Variant Classification Summary - May 2015. Collection method: clinical testing. Allele origin: germline.
Comment: Variant summary: TNXB c.5889C>T results in a synonymous change. Consensus agreement among computation tools predict no significant impact on normal splicing. However, these predictions have yet to be confirmed by functional studies. The variant allele was found at a frequency of 2.9e-05 in 243430 control chromosomes. The available data on variant occurrences in the general population are insufficient to allow any conclusion about variant significance. To our knowledge, no occurrence of c.5889C>T in individuals affected with TNXB-related conditions and no experimental evidence demonstrating its impact on protein function have been reported. ClinVar contains an entry for this variant (Variation ID: 3971960). Based on the evidence outlined above, the variant was classified as likely benign.

Labcorp Genetics (formerly Invitae), Labcorp
Classification: Likely benign. Last evaluated: 2026-01-12. Review status: criteria provided, single submitter. Criteria: Invitae Variant Classification Sherloc (09022015). Collection method: clinical testing. Allele origin: germline.

Ambry Genetics
Classification: Likely benign for Cardiovascular phenotype. Last evaluated: 2025-06-11. Review status: criteria provided, single submitter. Criteria: Ambry Variant Classification Scheme 2023. Collection method: clinical testing. Allele origin: germline.